The following is an entry in ClinVar:

NM_198253.3(TERT):c.1856C>T (p.Ser619Phe)

Gene: TERT (telomerase reverse transcriptase; minus strand). Cytogenetic location: 5p15.33.
Variant type: single nucleotide variant.
Coding change: c.1856C>T on transcript NM_198253.3 (MANE Select); coding-DNA position 1856, C replaced by T.
Protein change: p.Ser619Phe; replaces serine 619 with phenylalanine.
Molecular consequence: missense variant. On other transcripts: non-coding transcript variant (2).
Genome position (GRCh38, 1-based): chr5:1,280,252, G>A on the plus strand (C>T on the coding strand, the complement: TERT is on the minus strand). VCF-style: chr5-1280252-G-A. GRCh37 (hg19) VCF-style: chr5-1280367-G-A.
Other names: c.1856C>T, p.Ser619Phe (NM_001193376.3); short protein forms S619F.
Identifiers: ClinVar variation 3805800 (VCV003805800.1).

ClinVar aggregate classification (germline): Uncertain significance (1 of 4 stars; one submission).

Conditions:
Dyskeratosis congenita. Identifiers: Orphanet 1775, MedGen C0265965, MONDO:0015780.

Submission:

Ambry Genetics
Classification: Uncertain significance for Dyskeratosis congenita. Last evaluated: 2025-03-01. Review status: criteria provided, single submitter. Criteria: Ambry Variant Classification Scheme 2023. Collection method: clinical testing. Allele origin: germline.
Comment: The p.S619F variant (also known as c.1856C>T), located in coding exon 4 of the TERT gene, results from a C to T substitution at nucleotide position 1856. The serine at codon 619 is replaced by phenylalanine, an amino acid with highly dissimilar properties. This amino acid position is conserved. In addition, the in silico prediction for this alteration is inconclusive. Based on the available evidence, the clinical significance of this variant remains unclear.